The following is an entry in ClinVar:

NM_015046.7(SETX):c.4259A>G (p.Glu1420Gly)

Gene: SETX (senataxin; minus strand). Cytogenetic location: 9q34.13.
Variant type: single nucleotide variant.
Coding change: c.4259A>G on transcript NM_015046.7 (MANE Select); coding-DNA position 4259, A replaced by G.
Protein change: p.Glu1420Gly; replaces glutamic acid 1420 with glycine.
Molecular consequence: missense variant.
Genome position (GRCh38, 1-based): chr9:132,327,339, T>C on the plus strand (A>G on the coding strand, the complement: SETX is on the minus strand). VCF-style: chr9-132327339-T-C. GRCh37 (hg19) VCF-style: chr9-135202726-T-C.
Other names: c.4259A>G, p.Glu1420Gly (NM_001351527.2, NM_001351528.2); short protein forms E1420G.
Identifiers: ClinVar variation 2943743 (VCV002943743.3), dbSNP rs1846875644, ClinGen allele CA375326768.
Genomic context (GRCh38, chr9:132,327,339, plus strand): 5'-TTCAAAGGGCAAGCATCATCAGTTGCTGGAGACCCATGTTTTGCTTTTATGGTTTCTGGT[T>C]CAGAAGGCATGCATTTTATTAACTGTTTTCTGTTACTGTTGGCAAGTACCTCAGTTCCTC-3'
Protein context (NP_055861.3, residues 1410-1430): RKQLIKCMPS[Glu1420Gly]PETIKAKHGS

ClinVar aggregate classification (germline): Uncertain significance (1 of 4 stars; one submission).

Conditions:
Amyotrophic lateral sclerosis type 4 (ALS4). Also called: AMYOTROPHIC LATERAL SCLEROSIS 4, JUVENILE; NEURONOPATHY, DISTAL HEREDITARY MOTOR, WITH PYRAMIDAL FEATURES. Identifiers: Orphanet 357043, MedGen C1865409, MONDO:0011223, OMIM 602433.
Spinocerebellar ataxia, autosomal recessive, with axonal neuropathy 2 (SCAN2). Also called: Ataxia with Oculomotor Apraxia; ATAXIA-OCULOMOTOR APRAXIA 2; Ataxia-ocular apraxia-2; Ataxia with Oculomotor Apraxia Type 2. Identifiers: Orphanet 64753, MedGen C1853761, MONDO:0018996, OMIM 606002.

Submission:

Labcorp Genetics (formerly Invitae), Labcorp
Classification: Uncertain significance for Amyotrophic lateral sclerosis type 4; Spinocerebellar ataxia, autosomal recessive, with axonal neuropathy 2. Last evaluated: 2023-02-23. Review status: criteria provided, single submitter. Criteria: Invitae Variant Classification Sherloc (09022015). Collection method: clinical testing. Allele origin: germline.
Comment: In summary, the available evidence is currently insufficient to determine the role of this variant in disease. Therefore, it has been classified as a Variant of Uncertain Significance. Advanced modeling of protein sequence and biophysical properties (such as structural, functional, and spatial information, amino acid conservation, physicochemical variation, residue mobility, and thermodynamic stability) performed at Invitae indicates that this missense variant is not expected to disrupt SETX protein function. This variant has not been reported in the literature in individuals affected with SETX-related conditions. This variant is not present in population databases (gnomAD no frequency). This sequence change replaces glutamic acid, which is acidic and polar, with glycine, which is neutral and non-polar, at codon 1420 of the SETX protein (p.Glu1420Gly).